The following is an entry in ClinVar:

ClinVar aggregate classification (germline): Uncertain significance (3 of 4 stars; one submission).

Conditions:
Phenylketonuria (PKU). Also called: FOLLING DISEASE; Phenylketonuria (PKU); OLIGOPHRENIA PHENYLPYRUVICA; Phenylketonurias. Identifiers: Orphanet 716, MedGen C0031485, MONDO:0009861, OMIM 261600. Disease mechanism: loss of function.

Submission:

ClinGen PAH Variant Curation Expert Panel
Classification: Uncertain significance for Phenylketonuria. Last evaluated: 2019-04-03. Review status: reviewed by expert panel. Criteria: ClinGen PAH ACMG Specifications v1. Collection method: curation. Allele origin: germline. Inheritance: Autosomal recessive inheritance.
Comment: The PAH c.60+5_60+6del variant has been reported once in a PKU case, however without indication of a second in trans variant (PMID: 26503515). This variant is absent from the population database gnomAD and results in deletion of moderately conserved bases in the donor splice site of intron 1. Computational analyses (Alamut v.2.11) predict that this variant may impact splicing by weakening the nearby canonical splice site. Altogether, there is not enough evidence to classify the c.60+5_60+6del variant with certainty. PAH-specific ACMG/AMP criteria applied: PP4, PP3, PM2

Literature cited by the submitters: PubMed 26503515.

NM_000277.3(PAH):c.60+5_60+6del

Gene: PAH (phenylalanine hydroxylase; minus strand). Cytogenetic location: 12q23.2.
Variant type: Deletion.
Coding change: c.60+5_60+6del on transcript NM_000277.3 (MANE Select); bases 5 to 6 of the intron after coding-DNA position 60, 2 bases deleted (GC; older notation c.60+5_60+6delGC).
Molecular consequence: intron variant.
Genome position (GRCh38, 1-based): chr12:102,917,065-102,917,066, GC deleted on the plus strand (GC on the coding strand, the reverse complement: PAH is on the minus strand). VCF-style (leftmost placement, unchanged base first): chr12-102917064-GGC-G. GRCh37 (hg19) VCF-style: chr12-103310842-GGC-G.
Other names: c.60+5_60+6del (NM_001354304.2).
Identifiers: ClinVar variation 805829 (VCV000805829.1), dbSNP rs1592991131, ClinGen allele CA16021002.